The following is an entry in ClinVar:

NM_001257118.3(CASP1):c.719G>A (p.Arg240Gln)

Gene: CASP1 (caspase 1; minus strand). Cytogenetic location: 11q22.3.
Variant type: single nucleotide variant.
Coding change: c.719G>A on transcript NM_001257118.3 (MANE Select); coding-DNA position 719, G replaced by A.
Protein change: p.Arg240Gln; replaces arginine 240 with glutamine.
Molecular consequence: missense variant. On other transcripts: intron variant (1).
Genome position (GRCh38, 1-based): chr11:105,029,808, C>T on the plus strand (G>A on the coding strand, the complement: CASP1 is on the minus strand). VCF-style: chr11-105029808-C-T. GRCh37 (hg19) VCF-style: chr11-104900535-C-T.
Other names: NC_000011.9:g.104900535C>T; c.656G>A, p.Arg219Gln (NM_001223.5, NM_001257119.3); c.719G>A, p.Arg240Gln (NM_033292.4); c.440G>A, p.Arg147Gln (NM_033293.4, NM_033294.4); c.59-2857G>A (NM_033295.4); short protein forms R147Q, R219Q, R240Q.
Identifiers: ClinVar variation 3041613 (VCV003041613.3), dbSNP rs45617533, ClinGen allele CA6257478.

ClinVar aggregate classification (germline): Likely benign (0 of 4 stars; one submission).

Conditions:
CASP1-related disorder. Also called: CASP1-related condition.

Allele frequency attached by ClinVar (database versions not stated): 1000 Genomes Project 30x 0.00062; 1000 Genomes Project 0.00080; gnomAD 0.00134; ExAC 0.00143; TOPMed 0.00146; ESP Exome Variant Server 0.00177; gnomAD exomes 0.00185.
gnomAD v4.1: 2,876 of 1,613,682 alleles (0.18%); highest among the groups gnomAD compares: Middle Eastern, 0.31%; 2 homozygotes.

Submissions (2):

PreventionGenetics, part of Exact Sciences
Classification: Likely benign for CASP1-related condition. Last evaluated: 2023-03-13. Review status: no assertion criteria provided. Collection method: clinical testing. Allele origin: germline.
Comment: This variant is classified as likely benign based on ACMG/AMP sequence variant interpretation guidelines (Richards et al. 2015 PMID: 25741868, with internal and published modifications).

Dr. Peter K. Rogan Lab, Western University
No classification provided (evidence only). Condition: Lung cancer. Review status: no classification provided. Collection method: in vitro. Allele origin: not applicable. Functional consequence: retained intron. Not counted in ClinVar's aggregate classification.